The following is an entry in ClinVar:

ClinVar aggregate classification (germline): Pathogenic (1 of 4 stars; one submission).

Conditions:
Duchenne muscular dystrophy (DMD). Also called: Duchenne Muscular Dystrophy (DMD); MUSCULAR DYSTROPHY, PSEUDOHYPERTROPHIC PROGRESSIVE, DUCHENNE TYPE. Identifiers: Orphanet 98896, MedGen C0013264, MONDO:0010679, OMIM 310200.

Submission:

Labcorp Genetics (formerly Invitae), Labcorp
Classification: Pathogenic for Duchenne muscular dystrophy. Last evaluated: 2022-10-18. Review status: criteria provided, single submitter. Criteria: Invitae Variant Classification Sherloc (09022015). Collection method: clinical testing. Allele origin: germline.
Comment: For these reasons, this variant has been classified as Pathogenic. This variant disrupts a region of the DMD protein in which other variant(s) (Deletion (Exons 45-49)) have been determined to be pathogenic (PMID: 2063877, 9007319, 18752307, 22090376). This suggests that this is a clinically significant region of the protein, and that variants that disrupt it are likely to be disease-causing. This variant has not been reported in the literature in individuals affected with DMD-related conditions. This variant is a gross deletion of the genomic region encompassing exon(s) 42-51 of the DMD gene. This variant would be expected to be in-frame, preserving the integrity of the reading frame.

Literature cited by the submitters: PubMed 2063877; PubMed 9007319; PubMed 18752307; PubMed 22090376.

NC_000023.10:g.(?_31792057)_(32328413_?)del

Gene: DMD (dystrophin; minus strand). Cytogenetic location: Xp21.1.
Variant type: Deletion.
Identifiers: ClinVar variation 2424913 (VCV002424913.3).